The following is an entry in ClinVar:

ClinVar aggregate classification (germline): Conflicting classifications of pathogenicity. Review status: criteria provided, conflicting classifications (1 of 4 stars). 4 submissions from 4 submitters: Uncertain significance (3); Benign (1). Last evaluated 2025-10-28.

Conditions:
Ovarian cancer. Also called: OVARIAN CANCER, SOMATIC. Identifiers: Orphanet 213500, MedGen C1140680, MONDO:0008170, OMIM 167000.
Fanconi anemia complementation group E (FANCE). Also called: FANCE-Related Fanconi Anemia. Identifiers: Orphanet 84, MedGen C3160739, MONDO:0010953, OMIM 600901.

Submissions (4):

Labcorp Genetics (formerly Invitae), Labcorp
Classification: Uncertain significance for Fanconi anemia complementation group E. Last evaluated: 2025-10-28. Review status: criteria provided, single submitter. Criteria: Invitae Variant Classification Sherloc (09022015). Collection method: clinical testing. Allele origin: germline.
Comment: This sequence change replaces alanine, which is neutral and non-polar, with proline, which is neutral and non-polar, at codon 49 of the FANCE protein (p.Ala49Pro). This variant is not present in population databases (gnomAD no frequency). This variant has not been reported in the literature in individuals affected with FANCE-related conditions. ClinVar contains an entry for this variant (Variation ID: 1314290). Invitae Evidence Modeling of protein sequence and biophysical properties (such as structural, functional, and spatial information, amino acid conservation, physicochemical variation, residue mobility, and thermodynamic stability) indicates that this missense variant is expected to disrupt FANCE protein function with a positive predictive value of 80%. In summary, the available evidence is currently insufficient to determine the role of this variant in disease. Therefore, it has been classified as a Variant of Uncertain Significance.

Fulgent Genetics
Classification: Uncertain significance for Fanconi anemia complementation group E. Last evaluated: 2022-05-18. Review status: criteria provided, single submitter. Criteria: ACMG Guidelines, 2015. Collection method: clinical testing. Allele origin: unknown.

Laboratory of Molecular Epidemiology of Birth Defects, West China Second University Hospital, Sichuan University
Classification: Benign for Ovarian cancer. Last evaluated: 2022-01-01. Review status: criteria provided, single submitter. Criteria: ACMG Guidelines, 2015. Collection method: clinical testing. Allele origin: germline. Affected: yes.

GeneDx
Classification: Uncertain significance. Last evaluated: 2021-03-29. Review status: criteria provided, single submitter. Criteria: GeneDx Variant Classification Process June 2021. Collection method: clinical testing. Allele origin: germline. Affected: yes.
Comment: Has not been previously published as pathogenic or benign to our knowledge; Not observed in large population cohorts (Lek 2016); In silico analysis supports that this missense variant does not alter protein structure/function

NM_021922.3(FANCE):c.145G>C (p.Ala49Pro)

Genes: FANCE (FA complementation group E; plus strand), LOC129996245 (ATAC-STARR-seq lymphoblastoid silent region 17092; plus strand). Cytogenetic location: 6p21.31.
Variant type: single nucleotide variant.
Coding change: c.145G>C on transcript NM_021922.3 (MANE Select); coding-DNA position 145, G replaced by C.
Protein change: p.Ala49Pro; replaces alanine 49 with proline.
Molecular consequence: missense variant.
Genome position (GRCh38, 1-based): chr6:35,452,690, G>C. VCF-style: chr6-35452690-G-C. GRCh37 (hg19) VCF-style: chr6-35420467-G-C.
Other names: short protein forms A49P.
Identifiers: ClinVar variation 1314290 (VCV001314290.6), dbSNP rs1225225979, ClinGen allele CA363770381.